The following is an entry in ClinVar:

NM_001375405.1(CEP120):c.2026G>T (p.Glu676Ter)

Gene: CEP120 (centrosomal protein 120; minus strand). Cytogenetic location: 5q23.2.
Variant type: single nucleotide variant.
Coding change: c.2026G>T on transcript NM_001375405.1 (MANE Select); coding-DNA position 2026, G replaced by T.
Protein change: p.Glu676Ter; replaces glutamic acid 676 with a stop codon.
Molecular consequence: nonsense. On other transcripts: non-coding transcript variant (1).
Genome position (GRCh38, 1-based): chr5:123,382,188, C>A on the plus strand (G>T on the coding strand, the complement: CEP120 is on the minus strand). VCF-style: chr5-123382188-C-A. GRCh37 (hg19) VCF-style: chr5-122717882-C-A.
Other names: c.1948G>T, p.Glu650Ter (NM_001166226.2); c.1891G>T, p.Glu631Ter (NM_001375406.1); c.2026G>T, p.Glu676Ter (NM_001375407.1, NM_153223.4); c.1453G>T, p.Glu485Ter (NM_001375408.1, NM_001375409.1); short protein forms E631*, E650*, E485*, E676*.
Identifiers: ClinVar variation 4721985 (VCV004721985.1).

ClinVar aggregate classification (germline): Pathogenic (1 of 4 stars; one submission).

Conditions:
Short-rib thoracic dysplasia 13 with or without polydactyly (SRTD13). Identifiers: Orphanet 474, MedGen C4225378, MONDO:0014577, OMIM 616300.

Submission:

Labcorp Genetics (formerly Invitae), Labcorp
Classification: Pathogenic for Short-rib thoracic dysplasia 13 with or without polydactyly. Last evaluated: 2025-06-24. Review status: criteria provided, single submitter. Criteria: Invitae Variant Classification Sherloc (09022015). Collection method: clinical testing. Allele origin: germline.
Comment: This sequence change creates a premature translational stop signal (p.Glu676*) in the CEP120 gene. It is expected to result in an absent or disrupted protein product. Loss-of-function variants in CEP120 are known to be pathogenic (PMID: 25251415, 27208211). This variant is not present in population databases (gnomAD no frequency). This variant has not been reported in the literature in individuals affected with CEP120-related conditions. For these reasons, this variant has been classified as Pathogenic.

Literature cited by the submitters: PubMed 25251415; PubMed 27208211.